The following is an entry in ClinVar:

ClinVar aggregate classification (germline): Likely benign. Review status: criteria provided, multiple submitters, no conflicts (2 of 4 stars). 2 submissions from 2 submitters: Likely benign (2). Last evaluated 2024-10-23.

Conditions:
Neurofibromatosis, type 1 (NF1). Also called: NEUROFIBROMATOSIS, TYPE I, SOMATIC; Neurofibromatosis, type I; Peripheral type neurofibromatosis; VON RECKLINGHAUSEN DISEASE. Identifiers: Orphanet 636, MedGen C0027831, MONDO:0018975, OMIM 162200. Disease mechanism: loss of function.

gnomAD v4.1: 1 of 1,613,366 alleles (0.000062%); no homozygotes.

Submissions (2):

Labcorp Genetics (formerly Invitae), Labcorp
Classification: Likely benign for Neurofibromatosis, type 1. Last evaluated: 2024-10-23. Review status: criteria provided, single submitter. Criteria: Invitae Variant Classification Sherloc (09022015). Collection method: clinical testing. Allele origin: germline.

GeneDx
Classification: Likely benign. Last evaluated: 2023-05-07. Review status: criteria provided, single submitter. Criteria: GeneDx Variant Classification Process June 2021. Collection method: clinical testing. Allele origin: germline. Affected: yes.
Comment: See Variant Classification Assertion Criteria.

NM_001042492.3(NF1):c.4174-11C>G

Gene: NF1 (neurofibromin 1; plus strand). Cytogenetic location: 17q11.2.
Variant type: single nucleotide variant.
Coding change: c.4174-11C>G on transcript NM_001042492.3 (MANE Select); 11 bases into the intron before coding-DNA position 4174, C replaced by G.
Molecular consequence: intron variant.
Genome position (GRCh38, 1-based): chr17:31,258,333, C>G. VCF-style: chr17-31258333-C-G. GRCh37 (hg19) VCF-style: chr17-29585351-C-G.
Other names: c.4111-11C>G (NM_000267.4).
Identifiers: ClinVar variation 3393565 (VCV003393565.3).
Genomic context (GRCh38, chr17:31,258,333, plus strand): 5'-TTGAACTCTTTGTTTTCATGTCTTTATATTAATTCAAACCTTATACTCAATTCTCAACTC[C>G]TTGTTTTTAGGTGGTTAGCCAGCGTTTCCCTCAGAACAGCATCGGTGCAGTAGGAAGTGC-3'